The following is an entry in ClinVar:

ClinVar aggregate classification (germline): Uncertain significance (1 of 4 stars; one submission).

Conditions:
Testosterone 17-beta-dehydrogenase deficiency. Also called: 46,XY disorder of sex development due to 17-beta-hydroxysteroid dehydrogenase 3 deficiency; Pseudohermaphroditism male with gynecomastia; 17-beta hydroxysteroid dehydrogenase 3 deficiency; 17 alpha ketosteroid reductase deficiency of testis; 17 alpha KSR deficiency; Neutral 17 beta hydroxysteroid oxidoreductase deficiency. Identifiers: Orphanet 752, MedGen C0268296, MONDO:0009916, OMIM 264300. Disease mechanism: loss of function.

gnomAD v4.1: 1 of 1,613,690 alleles (0.000062%); highest among the groups gnomAD compares: Non-Finnish European, 0.000085%; no homozygotes.

Submission:

Center of Excellence of Human Genetics, National Research Center
Classification: Uncertain significance for Testosterone 17-beta-dehydrogenase deficiency. Review status: criteria provided, single submitter. Criteria: ACMG Guidelines, 2015. Collection method: clinical testing. Allele origin: germline. Inheritance: Autosomal recessive inheritance. Affected: yes.
Comment: The p.Tyr113Cys variant is not detected in the gnomAD population database. The wild-type tyrosine is highly conserved between species. Computational tools confirm that the variant is deleterious (REVEL: deleterious (0.71), MetaLR: deleterious (0.73)). In summary, due to the lack of functional studies, the p.Tyr113Cys missense variant meets the criteria for being classified as a VUS.

Literature cited by the submitters: PubMed 32784047.

NM_000197.2(HSD17B3):c.338A>G (p.Tyr113Cys)

Genes: HSD17B3 (hydroxysteroid 17-beta dehydrogenase 3; minus strand), SLC35D2-HSD17B3 (SLC35D2-HSD17B3 readthrough; minus strand). Cytogenetic location: 9q22.32.
Variant type: single nucleotide variant.
Coding change: c.338A>G on transcript NM_000197.2 (MANE Select); coding-DNA position 338, A replaced by G.
Protein change: p.Tyr113Cys; replaces tyrosine 113 with cysteine.
Molecular consequence: missense variant. On other transcripts: non-coding transcript variant (1).
Genome position (GRCh38, 1-based): chr9:96,252,850, T>C on the plus strand (A>G on the coding strand, the complement: HSD17B3 is on the minus strand). VCF-style: chr9-96252850-T-C. GRCh37 (hg19) VCF-style: chr9-99015132-T-C.
Other names: p.Tyr113Cys; short protein forms Y113C.
Identifiers: ClinVar variation 4077403 (VCV004077403.1).